The following is an entry in ClinVar:

ClinVar aggregate classification (germline): Pathogenic (1 of 4 stars; one submission).

Conditions:
Hearing loss, autosomal recessive 57. Also called: DEAFNESS, AUTOSOMAL RECESSIVE 57. Identifiers: MedGen C4693893, MONDO:0033201, OMIM 618003.

Submission:

Institute of Rare Diseases, West China Hospital, Sichuan University
Classification: Pathogenic for Hearing loss, autosomal recessive 57. Last evaluated: 2025-01-09. Review status: criteria provided, single submitter. Criteria: ClinGen HL ACMG Specifications v1. Collection method: research. Allele origin: germline. Affected: yes.
Comment: PVS1;PM3;PM2_Supporting

NM_001195263.2(PDZD7):c.2136del (p.Ile714fs)

Gene: PDZD7 (PDZ domain containing 7; minus strand). Cytogenetic location: 10q24.31.
Variant type: Deletion.
Coding change: c.2136del on transcript NM_001195263.2 (MANE Select); coding-DNA position 2136, one base deleted (A; older notation c.2136delA).
Protein change: p.Ile714fs; shifts the reading frame from isoleucine 714.
Molecular consequence: frameshift variant.
Genome position (GRCh38, 1-based): chr10:101,010,753, T deleted on the plus strand (A on the coding strand, the reverse complement: PDZD7 is on the minus strand); the first of 3 consecutive T bases (chr10:101,010,753-101,010,755); deleting any one gives the same sequence. VCF-style (leftmost placement, unchanged base first): chr10-101010752-CT-C. GRCh37 (hg19) VCF-style: chr10-102770509-CT-C.
Other names: short protein forms I714fs.
Identifiers: ClinVar variation 3601632 (VCV003601632.1).